The following is an entry in ClinVar:

ClinVar aggregate classification (germline): Benign/Likely benign. Review status: criteria provided, multiple submitters, no conflicts (2 of 4 stars). 6 submissions from 6 submitters: Benign (1); Likely benign (4). 1 of the submissions does not count toward it. Last evaluated 2026-01-23.

Conditions:
FG syndrome (FGS). Identifiers: MedGen C0220769, MONDO:0002010.
MED12-Related Disorders. Also called: MED12-related condition; MED12-related disorder. Identifiers: MedGen CN381102.
Familial thoracic aortic aneurysm and aortic dissection (TAAD). Also called: Thoracic aortic aneurysms and dissections. Identifiers: Orphanet 91387, MedGen C4707243, MONDO:0019625.

Allele frequency attached by ClinVar (database versions not stated): gnomAD 0.00003; gnomAD exomes 0.00004; TOPMed 0.00009; ExAC 0.00011.
gnomAD v4.1: 47 of 1,194,477 alleles (0.0039%); highest among the groups gnomAD compares: Middle Eastern, 0.023%; no homozygotes.

Submissions (6):

Labcorp Genetics (formerly Invitae), Labcorp
Classification: Benign for FG syndrome. Last evaluated: 2026-01-23. Review status: criteria provided, single submitter. Criteria: Invitae Variant Classification Sherloc (09022015). Collection method: clinical testing. Allele origin: germline.

Blueprint Genetics
Classification: Likely benign. Last evaluated: 2024-08-13. Review status: criteria provided, single submitter. Criteria: ACMG Guidelines, 2015. Collection method: clinical testing. Allele origin: germline.

CeGaT Center for Human Genetics Tuebingen
Classification: Likely benign. Last evaluated: 2022-07-01. Review status: criteria provided, single submitter. Criteria: CeGaT Center For Human Genetics Tuebingen Variant Classification Criteria Version 2. Collection method: clinical testing. Allele origin: germline. Affected: yes. Observed: 1 variant allele.
Comment: MED12: BP4, BP7

Ambry Genetics
Classification: Likely benign for Familial thoracic aortic aneurysm and aortic dissection. Last evaluated: 2020-10-07. Review status: criteria provided, single submitter. Criteria: Ambry Variant Classification Scheme 2023. Collection method: clinical testing. Allele origin: germline.

GeneDx
Classification: Likely benign. Last evaluated: 2018-01-29. Review status: criteria provided, single submitter. Criteria: GeneDx Variant Classification (06012015). Collection method: clinical testing. Allele origin: germline. Affected: yes.
Comment: This variant is considered likely benign or benign based on one or more of the following criteria: it is a conservative change, it occurs at a poorly conserved position in the protein, it is predicted to be benign by multiple in silico algorithms, and/or has population frequency not consistent with disease.

PreventionGenetics, part of Exact Sciences
Classification: Likely benign for MED12-related condition. Last evaluated: 2019-03-04. Review status: no assertion criteria provided. Collection method: clinical testing. Allele origin: germline. Not counted in ClinVar's aggregate classification.
Comment: This variant is classified as likely benign based on ACMG/AMP sequence variant interpretation guidelines (Richards et al. 2015 PMID: 25741868, with internal and published modifications).

NM_005120.3(MED12):c.183C>T (p.Asn61=)

Gene: MED12 (mediator complex subunit 12; plus strand). Cytogenetic location: Xq13.1.
Variant type: single nucleotide variant.
Coding change: c.183C>T on transcript NM_005120.3 (MANE Select); coding-DNA position 183, C replaced by T.
Protein change: p.Asn61=; no amino-acid change (asparagine 61 retained).
Molecular consequence: synonymous variant.
Genome position (GRCh38, 1-based): chrX:71,119,456, C>T. VCF-style: chrX-71119456-C-T. GRCh37 (hg19) VCF-style: chrX-70339306-C-T.
Identifiers: ClinVar variation 516188 (VCV000516188.37), dbSNP rs770411750, ClinGen allele CA10444004.